The following is an entry in ClinVar:

ClinVar aggregate classification (germline): Pathogenic (0 of 4 stars; one submission).

Conditions:
Ceroid lipofuscinosis, neuronal, 6A. Also called: Neuronal ceroid lipofuscinosis, late infantile, variant; Neuronal ceroid lipofuscinosis, Gypsy/Indian early juvenile variant; Neuronal ceroid lipofuscinosis 6; CLN6-Related Neuronal Ceroid-Lipofuscinosis. Identifiers: Orphanet 168491, Orphanet 228363, MedGen C5551375, MONDO:0011144, OMIM 601780.

Submission:

Translational Research Program on Neuronal Ceroid Lipofuscinosis, Center for the Study of Inborn Errors of Metabolism
Classification: Pathogenic for Ceroid lipofuscinosis, neuronal, 6A. Review status: no assertion criteria provided. Collection method: research. Allele origin: inherited. Affected: yes. Observed: 1 variant allele.
Comment: Late Infantile NCL

NM_017882.3(CLN6):c.552dup (p.Phe185fs)

Gene: CLN6 (CLN6 transmembrane ER protein; minus strand). Cytogenetic location: 15q23.
Variant type: Duplication.
Coding change: c.552dup on transcript NM_017882.3 (MANE Select); coding-DNA position 552, one base duplicated (C; older notation c.552dupC).
Protein change: p.Phe185fs; shifts the reading frame from phenylalanine 185.
Molecular consequence: frameshift variant.
Genome position (GRCh38, 1-based): chr15:68,209,750, G duplicated on the plus strand (C on the coding strand, the reverse complement: CLN6 is on the minus strand); the first of 4 consecutive G bases (chr15:68,209,750-68,209,753); duplicating any one gives the same sequence. VCF-style (leftmost placement, unchanged base first): chr15-68209749-A-AG. GRCh37 (hg19) VCF-style: chr15-68502087-A-AG.
Other names: c.552dupC (NM_017882.2); short protein forms F185fs.
Identifiers: ClinVar variation 560341 (VCV000560341.2), dbSNP rs1567095153, ClinGen allele CA658825091.